The following is an entry in ClinVar:

ClinVar aggregate classification (germline): Uncertain significance. Review status: reviewed by expert panel (3 of 4 stars). 8 submissions from 8 submitters: Uncertain significance (1). 7 of the submissions do not count toward it. Last evaluated 2026-02-24.

Conditions:
Hereditary cancer-predisposing syndrome. Also called: Neoplastic Syndromes, Hereditary; Tumor predisposition; Hereditary neoplastic syndrome; Hereditary Cancer Syndrome. Identifiers: Orphanet 140162, MedGen C0027672, MeSH D009386, MONDO:0015356.
Pleuropulmonary blastoma (PPB). Identifiers: Orphanet 64742, MedGen C1266144, MONDO:0011014, OMIM 601200, HP:0100528.
Rhabdomyosarcoma, embryonal, 2 (RMSE2). Identifiers: MedGen C1867234, MONDO:0859046, OMIM 180295.
Euthyroid goiter (MNG1). Also called: SIMPLE GOITER; Goiter, multinodular 1, with or without Sertoli-Leydig cell tumors; GOITER, NONTOXIC, WITH INTRATHYROIDAL CALCIFICATION; MULTINODULAR GOITER, ADOLESCENT. Identifiers: Orphanet 276399, MedGen C0302859, MONDO:0007681, OMIM 138800, HP:0009798.
Global developmental delay - lung cysts - overgrowth - Wilms tumor syndrome. Also called: GLOBAL DEVELOPMENTAL DELAY, LUNG CYSTS, OVERGROWTH, AND WILMS TUMOR; GLOW Syndrome. Identifiers: Orphanet 404476, MedGen C4748924, MONDO:0018445, OMIM 618272.
DICER1-related tumor predisposition. Also called: DICER1-related pleuropulmonary blastoma cancer predisposition syndrome; DICER1 syndrome. Identifiers: Orphanet 284343, MedGen C3839822, MONDO:0100216.

gnomAD v4.1: 6 of 1,614,032 alleles (0.00037%); highest among the groups gnomAD compares: South Asian, 0.0011%; no homozygotes.

Submissions (8):

ClinGen DICER1 and miRNA-Processing Gene Variant Curation Expert Panel, ClinGen
Classification: Uncertain significance for DICER1-related tumor predisposition. Last evaluated: 2026-02-24. Review status: reviewed by expert panel. Criteria: ClinGen DICER1 ACMG Specifications DICER1 V1.4.0. Collection method: curation. Allele origin: germline. Inheritance: Autosomal dominant inheritance.
Comment: The NM_177438.2: c.5171C>T variant in DICER1 is a missense variant predicted to cause substitution of proline by leucine at amino acid 1724 (p.Pro1724Leu). Although this variant has been observed in individuals undergoing genetic sequencing, to our knowledge, this variant has not been reported in individuals with DICER1-related tumor predisposition (PS4 not met; Internal lab contributors). The total allele frequency in gnomAD v4.1.0 is 0.000003717 (5/1614032 alleles) with a highest population minor allele frequency of 0.00001562 (1/64016 alleles) in the European (Finnish) population and with multiple alleles present in the European (non-Finnish) (PM2_Supporting, BS1, and BA1 are not met). This variant resides within the RNase IIIb mutational hotspot domain with critical functionality as defined by the ClinGen DICER1 VCEP (PM1_Supporting; PMID: 31342592). In silico tools predict no damaging impact of the variant on protein function (REVEL: 0.45; MaxEntScan and SpliceAI: no effect on splicing) (BP4). In summary, this variant meets the criteria to be classified as Uncertain Significance for DICER1-related tumor predisposition. Although there are both pathogenic and benign types of evidence for this variant, neither the pathogenic nor benign evidence is not considered inconsistent with the final classification. ACMG/AMP criteria applied, as specified by the ClinGen DICER1 VCEP: PM1_Supporting, BP4. (Bayesian Points: 0; VCEP specifications version 1.4.0; 02/24/2026).

Ambry Genetics
Classification: Uncertain significance for Hereditary cancer-predisposing syndrome. Last evaluated: 2025-08-01. Review status: criteria provided, single submitter. Criteria: Ambry Variant Classification Scheme 2023. Collection method: clinical testing. Allele origin: germline. Not counted in ClinVar's aggregate classification.
Comment: The p.P1724L variant (also known as c.5171C>T), located in coding exon 23 of the DICER1 gene, results from a C to T substitution at nucleotide position 5171. The proline at codon 1724 is replaced by leucine, an amino acid with similar properties. This amino acid position is highly conserved in available vertebrate species. In addition, the in silico prediction for this alteration is inconclusive. Since supporting evidence is limited at this time, the clinical significance of this alteration remains unclear.

Labcorp Genetics (formerly Invitae), Labcorp
Classification: Uncertain significance for DICER1-related tumor predisposition. Last evaluated: 2025-06-04. Review status: criteria provided, single submitter. Criteria: Invitae Variant Classification Sherloc (09022015). Collection method: clinical testing. Allele origin: germline. Not counted in ClinVar's aggregate classification.
Comment: This sequence change replaces proline, which is neutral and non-polar, with leucine, which is neutral and non-polar, at codon 1724 of the DICER1 protein (p.Pro1724Leu). This variant is not present in population databases (gnomAD no frequency). This variant has not been reported in the literature in individuals affected with DICER1-related conditions. ClinVar contains an entry for this variant (Variation ID: 690455). Invitae Evidence Modeling of protein sequence and biophysical properties (such as structural, functional, and spatial information, amino acid conservation, physicochemical variation, residue mobility, and thermodynamic stability) indicates that this missense variant is not expected to disrupt DICER1 protein function with a negative predictive value of 95%. In summary, the available evidence is currently insufficient to determine the role of this variant in disease. Therefore, it has been classified as a Variant of Uncertain Significance.

Center for Genomic Medicine, Rigshospitalet, Copenhagen University Hospital
Classification: Uncertain significance. Last evaluated: 2025-03-04. Review status: criteria provided, single submitter. Criteria: ACMG Guidelines, 2015. Collection method: clinical testing. Allele origin: germline. Not counted in ClinVar's aggregate classification.

Fulgent Genetics
Classification: Uncertain significance for Euthyroid goiter; Rhabdomyosarcoma, embryonal, 2; Pleuropulmonary blastoma; Global developmental delay - lung cysts - overgrowth - Wilms tumor syndrome. Last evaluated: 2022-02-08. Review status: criteria provided, single submitter. Criteria: ACMG Guidelines, 2015. Collection method: clinical testing. Allele origin: unknown. Not counted in ClinVar's aggregate classification.

Institute for Clinical Genetics, University Hospital TU Dresden, University Hospital TU Dresden
Classification: Uncertain significance. Last evaluated: 2021-11-03. Review status: criteria provided, single submitter. Criteria: ACMG Guidelines, 2015. Collection method: clinical testing. Allele origin: germline. Not counted in ClinVar's aggregate classification.

Baylor Genetics
Classification: Uncertain significance for Pleuropulmonary blastoma. Last evaluated: 2020-01-07. Review status: criteria provided, single submitter. Criteria: ACMG Guidelines, 2015. Collection method: clinical testing. Allele origin: unknown. Affected: yes. Study: CSER-TexasKidsCanSeq. Not counted in ClinVar's aggregate classification.
Comment: This variant was determined to be of uncertain significance according to ACMG Guidelines, 2015 [PMID:25741868].

PreventionGenetics, part of Exact Sciences
Classification: Uncertain significance. Last evaluated: 2016-03-24. Review status: criteria provided, single submitter. Criteria: ACMG Guidelines, 2015. Collection method: clinical testing. Allele origin: germline. Not counted in ClinVar's aggregate classification.

NM_177438.3(DICER1):c.5171C>T (p.Pro1724Leu)

Gene: DICER1 (dicer 1, ribonuclease III; minus strand). Cytogenetic location: 14q32.13.
Variant type: single nucleotide variant.
Coding change: c.5171C>T on transcript NM_177438.3 (MANE Select); coding-DNA position 5171, C replaced by T.
Protein change: p.Pro1724Leu; replaces proline 1724 with leucine.
Molecular consequence: missense variant.
Genome position (GRCh38, 1-based): chr14:95,094,081, G>A on the plus strand (C>T on the coding strand, the complement: DICER1 is on the minus strand). VCF-style: chr14-95094081-G-A. GRCh37 (hg19) VCF-style: chr14-95560418-G-A.
Other names: NM_177438.3(DICER1):c.5171C>T; p.Pro1724Leu; c.5171C>T, p.Pro1724Leu (NM_001195573.1, NM_001271282.3, NM_001291628.2 and 1 more transcripts); short protein forms P1724L.
Identifiers: ClinVar variation 690455 (VCV000690455.24), dbSNP rs749900564, ClinGen allele CA390865284.
Genomic context (GRCh38, chr14:95,094,081, plus strand): 5'-ATGGTGTTGTTGACCAGGGCAGACCGCAGGTCTGTCAGGACCCCCGGGGAGTGCTGCCGC[G>A]GGTCTTCATAAAGGTGCTTGGTTATGAGGTAGTCCAAAATCGCATCTCCCAGGAATTCTA-3'
Protein context (NP_803187.1, residues 1714-1734): YLITKHLYED[Pro1724Leu]RQHSPGVLTD